The following is an entry in ClinVar:

ClinVar aggregate classification (germline): Conflicting classifications of pathogenicity. Review status: criteria provided, conflicting classifications (1 of 4 stars). 8 submissions from 8 submitters: Uncertain significance (6); Likely benign (1). 1 of the submissions does not count toward it. Last evaluated 2024-10-23.

Conditions:
Hereditary breast ovarian cancer syndrome. Also called: Hereditary breast and ovarian cancer syndrome; Hereditary breast and ovarian cancer; Hereditary breast and ovarian cancer syndrome (HBOC); Breast and ovarian cancer; Hereditary breast and/or ovarian cancer syndrome; BRCA1- and BRCA2-Associated Hereditary Breast and Ovarian Cancer. Identifiers: Orphanet 145, MedGen C0677776, MeSH D061325, MONDO:0003582. Disease mechanism: loss of function.
Hereditary cancer-predisposing syndrome. Also called: Neoplastic Syndromes, Hereditary; Tumor predisposition; Hereditary neoplastic syndrome; Hereditary Cancer Syndrome. Identifiers: Orphanet 140162, MedGen C0027672, MeSH D009386, MONDO:0015356.
Breast-ovarian cancer, familial, susceptibility to, 2 (BROVCA2). Also called: BRCA2 Hereditary Breast and Ovarian Cancer. Identifiers: Orphanet 145, MedGen C2675520, MONDO:0012933, OMIM 612555. Disease mechanism: loss of function.

Submissions (8):

Ambry Genetics
Classification: Uncertain significance for Hereditary cancer-predisposing syndrome. Last evaluated: 2024-10-23. Review status: criteria provided, single submitter. Criteria: Ambry Variant Classification Scheme 2023. Collection method: clinical testing. Allele origin: germline.
Comment: The p.Y1762S variant (also known as c.5285A>C), located in coding exon 10 of the BRCA2 gene, results from an A to C substitution at nucleotide position 5285. The tyrosine at codon 1762 is replaced by serine, an amino acid with dissimilar properties. This amino acid position is poorly conserved in available vertebrate species. In addition, this alteration is predicted to be tolerated by in silico analysis. Since supporting evidence is limited at this time, the clinical significance of this alteration remains unclear.

GeneDx
Classification: Uncertain significance. Last evaluated: 2024-06-11. Review status: criteria provided, single submitter. Criteria: GeneDx Variant Classification Process June 2021. Collection method: clinical testing. Allele origin: germline. Affected: yes.
Comment: Not observed at significant frequency in large population cohorts (gnomAD); In silico analysis supports that this missense variant has a deleterious effect on protein structure/function; Also known as 5513A>C; This variant is associated with the following publications: (PMID: 27882536, 31131967, 32377563, 29884841, 35585550, 31853058)

All of Us Research Program, National Institutes of Health
Classification: Uncertain significance for Breast-ovarian cancer, familial, susceptibility to, 2. Last evaluated: 2023-06-15. Review status: criteria provided, single submitter. Criteria: ACMG Guidelines, 2015. Collection method: clinical testing. Allele origin: germline. Inheritance: Autosomal dominant inheritance. Observed: 2 variant alleles, 2 heterozygotes.
Comment: This study involves interpretation of variants in research participants for the purpose of population health screening. Participant phenotype was not available at the time of variant classification. Additional details can be found in publication PMID: 35346344, PMCID: PMC8962531

University of Washington Department of Laboratory Medicine, University of Washington
Classification: Likely benign for Hereditary cancer-predisposing syndrome. Last evaluated: 2023-03-23. Review status: criteria provided, single submitter. Criteria: Dines et al. (Genet Med. 2020). Collection method: curation. Allele origin: germline.
Comment: Missense variant in a coldspot region where missense variants are very unlikely to be pathogenic (PMID:31911673).

BRCA2 exon 11 coldspot. Reclassification based on statistical prior probability.

Labcorp Genetics (formerly Invitae), Labcorp
Classification: Uncertain significance for Hereditary breast ovarian cancer syndrome. Last evaluated: 2022-11-04. Review status: criteria provided, single submitter. Criteria: Invitae Variant Classification Sherloc (09022015). Collection method: clinical testing. Allele origin: germline.
Comment: In summary, the available evidence is currently insufficient to determine the role of this variant in disease. Therefore, it has been classified as a Variant of Uncertain Significance. Advanced modeling of protein sequence and biophysical properties (such as structural, functional, and spatial information, amino acid conservation, physicochemical variation, residue mobility, and thermodynamic stability) performed at Invitae indicates that this missense variant is not expected to disrupt BRCA2 protein function. ClinVar contains an entry for this variant (Variation ID: 51835). This missense change has been observed in individual(s) with breast, ovarian, or pancreatic cancer (PMID: 27882536). This variant is not present in population databases (gnomAD no frequency). This sequence change replaces tyrosine, which is neutral and polar, with serine, which is neutral and polar, at codon 1762 of the BRCA2 protein (p.Tyr1762Ser).

Institute for Clinical Genetics, University Hospital TU Dresden, University Hospital TU Dresden
Classification: Uncertain significance. Last evaluated: 2021-11-03. Review status: criteria provided, single submitter. Criteria: ACMG Guidelines, 2015. Collection method: clinical testing. Allele origin: germline.

Sema4
Classification: Uncertain significance for Hereditary cancer-predisposing syndrome. Last evaluated: 2021-04-27. Review status: criteria provided, single submitter. Criteria: Sema4 Curation Guidelines. Collection method: curation. Allele origin: germline.
Comment: The BRCA2 c.5285A>C (p.Y1762S) variant has been reported in at least one individual in a study of patients with breast, ovarian, or pancreatic cancer (PMID: 27882536). It was not observed in the large and broad cohorts of the Genome Aggregation Database. The variant has been reported in ClinVar (Variation ID 51835). In silico tools suggest the impact of the variant on protein function is inconclusive, though these predictions have not been confirmed by functional studies. The evidence is insufficient to meet ACMG/AMP criteria for classifying the variant as benign or pathogenic. Thus, the clinical significance of this variant is currently uncertain.

Breast Cancer Information Core (BIC) (BRCA2)
Classification: Uncertain significance for Breast-ovarian cancer, familial 2. Last evaluated: 2002-05-29. Review status: no assertion criteria provided. Collection method: clinical testing. Allele origin: germline. Affected: yes. Observed: 2 variant alleles. Not counted in ClinVar's aggregate classification.

Literature cited by the submitters: PubMed 27882536 (cited by Labcorp Genetics (formerly Invitae), Labcorp and Sema4).

NM_000059.4(BRCA2):c.5285A>C (p.Tyr1762Ser)

Gene: BRCA2 (BRCA2 DNA repair associated; plus strand). Cytogenetic location: 13q13.1.
Variant type: single nucleotide variant.
Coding change: c.5285A>C on transcript NM_000059.4 (MANE Select); coding-DNA position 5285, A replaced by C.
Protein change: p.Tyr1762Ser; replaces tyrosine 1762 with serine.
Molecular consequence: missense variant.
Genome position (GRCh38, 1-based): chr13:32,339,640, A>C. VCF-style: chr13-32339640-A-C. GRCh37 (hg19) VCF-style: chr13-32913777-A-C.
Other names: short protein forms Y1762S.
Identifiers: ClinVar variation 51835 (VCV000051835.21), dbSNP rs80358753, ClinGen allele CA021948.